The following is an entry in ClinVar:

ClinVar aggregate classification (germline): Uncertain significance (1 of 4 stars; one submission).

gnomAD v4.1: 2 of 1,613,994 alleles (0.00012%); highest among the groups gnomAD compares: Non-Finnish European, 0.00017%; no homozygotes.

Submission:

Labcorp Genetics (formerly Invitae), Labcorp
Classification: Uncertain significance. Last evaluated: 2022-03-21. Review status: criteria provided, single submitter. Criteria: Invitae Variant Classification Sherloc (09022015). Collection method: clinical testing. Allele origin: germline.
Comment: This sequence change replaces valine, which is neutral and non-polar, with leucine, which is neutral and non-polar, at codon 169 of the CAD protein (p.Val169Leu). This variant is present in population databases (no rsID available, gnomAD 0.002%). This variant has not been reported in the literature in individuals affected with CAD-related conditions. Algorithms developed to predict the effect of missense changes on protein structure and function (SIFT, PolyPhen-2, Align-GVGD) all suggest that this variant is likely to be tolerated. Algorithms developed to predict the effect of sequence changes on RNA splicing suggest that this variant may create or strengthen a splice site. In summary, the available evidence is currently insufficient to determine the role of this variant in disease. Therefore, it has been classified as a Variant of Uncertain Significance.

NM_004341.5(CAD):c.505G>T (p.Val169Leu)

Gene: CAD (carbamoyl-phosphate synthetase 2, aspartate transcarbamylase, and dihydroorotase; plus strand). Cytogenetic location: 2p23.3.
Variant type: single nucleotide variant.
Coding change: c.505G>T on transcript NM_004341.5 (MANE Select); coding-DNA position 505, G replaced by T.
Protein change: p.Val169Leu; replaces valine 169 with leucine.
Molecular consequence: missense variant.
Genome position (GRCh38, 1-based): chr2:27,222,528, G>T. VCF-style: chr2-27222528-G-T. GRCh37 (hg19) VCF-style: chr2-27445396-G-T.
Other names: c.505G>T, p.Val169Leu (NM_001306079.2); short protein forms V169L.
Identifiers: ClinVar variation 1489509 (VCV001489509.5), dbSNP rs766063444, ClinGen allele CA346199456.